The following is an entry in ClinVar:

NM_032229.3(SLITRK6):c.2204T>C (p.Met735Thr)

Gene: SLITRK6 (SLIT and NTRK like family member 6; minus strand). Cytogenetic location: 13q31.1.
Variant type: single nucleotide variant.
Coding change: c.2204T>C on transcript NM_032229.3 (MANE Select); coding-DNA position 2204, T replaced by C.
Protein change: p.Met735Thr; replaces methionine 735 with threonine.
Molecular consequence: missense variant.
Genome position (GRCh38, 1-based): chr13:85,794,305, A>G on the plus strand (T>C on the coding strand, the complement: SLITRK6 is on the minus strand). VCF-style: chr13-85794305-A-G. GRCh37 (hg19) VCF-style: chr13-86368440-A-G.
Other names: short protein forms M735T.
Identifiers: ClinVar variation 1328564 (VCV001328564.5), dbSNP rs375498734, ClinGen allele CA7014941.

ClinVar aggregate classification (germline): Uncertain significance. Review status: criteria provided, multiple submitters, no conflicts (2 of 4 stars). 2 submissions from 2 submitters: Uncertain significance (2). Last evaluated 2024-08-11.

Conditions:
Inborn genetic diseases. Identifiers: MedGen C0950123, MeSH D030342.

Allele frequency attached by ClinVar (database versions not stated): ExAC 0.00002; gnomAD exomes 0.00002 and 0.00007; gnomAD 0.00004; TOPMed 0.00006; ESP Exome Variant Server 0.00008.

Submissions (2):

Ambry Genetics
Classification: Uncertain significance for Inborn genetic diseases. Last evaluated: 2024-08-11. Review status: criteria provided, single submitter. Criteria: Ambry Variant Classification Scheme 2023. Collection method: clinical testing. Allele origin: germline.

GeneDx
Classification: Uncertain significance. Last evaluated: 2021-06-14. Review status: criteria provided, single submitter. Criteria: GeneDx Variant Classification Process June 2021. Collection method: clinical testing. Allele origin: germline. Affected: yes.
Comment: Not observed at significant frequency in large population cohorts (Lek et al., 2016); In silico analysis supports that this missense variant does not alter protein structure/function; Has not been previously published as pathogenic or benign to our knowledge; This variant is associated with the following publications: (PMID: 27535533)